The following is an entry in ClinVar:

ClinVar aggregate classification (germline): Conflicting classifications of pathogenicity. Review status: criteria provided, conflicting classifications (1 of 4 stars). 2 submissions from 2 submitters: Likely pathogenic (1); Uncertain significance (1). Last evaluated 2021-05-20.

Conditions:
Multiple endocrine neoplasia, type 1 (MEN1). Also called: MEN I; WERMER SYNDROME; Endocrine adenomatosis multiple; MEN 1; MEA I. Identifiers: Orphanet 652, MedGen C0025267, MeSH D018761, MONDO:0007540, OMIM 131100.
Hereditary cancer-predisposing syndrome. Also called: Hereditary neoplastic syndrome; Neoplastic Syndromes, Hereditary; Hereditary Cancer Syndrome; Tumor predisposition. Identifiers: Orphanet 140162, MedGen C0027672, MeSH D009386, MONDO:0015356.

Submissions (2):

Labcorp Genetics (formerly Invitae), Labcorp
Classification: Uncertain significance for Multiple endocrine neoplasia, type 1. Last evaluated: 2021-05-20. Review status: criteria provided, single submitter. Criteria: Invitae Variant Classification Sherloc (09022015). Collection method: clinical testing. Allele origin: germline.
Comment: This variant has been observed in individual(s) with clinical features of multiple endocrine neoplasia type 1 (PMID: 30339208). Advanced modeling of protein sequence and biophysical properties (such as structural, functional, and spatial information, amino acid conservation, physicochemical variation, residue mobility, and thermodynamic stability) performed at Invitae indicates that this missense variant is expected to disrupt MEN1 protein function. In summary, the available evidence is currently insufficient to determine the role of this variant in disease. Therefore, it has been classified as a Variant of Uncertain Significance. This variant is not present in population databases (ExAC no frequency). This sequence change replaces leucine with proline at codon 221 of the MEN1 protein (p.Leu221Pro). The leucine residue is highly conserved and there is a moderate physicochemical difference between leucine and proline.

Ambry Genetics
Classification: Likely pathogenic for Hereditary cancer-predisposing syndrome. Last evaluated: 2020-04-24. Review status: criteria provided, single submitter. Criteria: Ambry Variant Classification Scheme 2023. Collection method: clinical testing. Allele origin: germline.
Comment: The p.L221P variant (also known as c.662T>C), located in coding exon 3 of the MEN1 gene, results from a T to C substitution at nucleotide position 662. The leucine at codon 221 is replaced by proline, an amino acid with similar properties. This alteration has been detected in two patients with isolated hyperparathyroidism (Romanet P et al. J. Clin. Endocrinol. Metab. 2019 03;104(3):753-764). Additionally this variant has been confirmed as a de novo alteration in one family (Ambry internal data). Based on internal structural analysis, this variant is anticipated to result in a significant decrease in structural stability (Ambry internal data). This amino acid position is highly conserved in available vertebrate species. In addition, this alteration is predicted to be deleterious by in silico analysis. Based on the majority of available evidence to date, this variant is likely to be pathogenic.

Literature cited by the submitters: PubMed 30339208 (cited by Labcorp Genetics (formerly Invitae), Labcorp and Ambry Genetics); PubMed 30869828 (cited by Ambry Genetics).

NM_001370259.2(MEN1):c.662T>C (p.Leu221Pro)

Gene: MEN1 (menin 1; minus strand). Cytogenetic location: 11q13.1.
Variant type: single nucleotide variant.
Coding change: c.662T>C on transcript NM_001370259.2 (MANE Select); coding-DNA position 662, T replaced by C.
Protein change: p.Leu221Pro; replaces leucine 221 with proline.
Molecular consequence: missense variant.
Genome position (GRCh38, 1-based): chr11:64,807,673, A>G on the plus strand (T>C on the coding strand, the complement: MEN1 is on the minus strand). VCF-style: chr11-64807673-A-G. GRCh37 (hg19) VCF-style: chr11-64575145-A-G.
Other names: c.677T>C, p.Leu226Pro (NM_000244.4, NM_130800.3, NM_130801.3 and 3 more transcripts); c.662T>C, p.Leu221Pro (NM_001370251.2, NM_001370260.2, NM_001370261.2 and 1 more transcripts); c.557T>C, p.Leu186Pro (NM_001370262.2, NM_001370263.2); short protein forms L186P, L226P, L221P.
Identifiers: ClinVar variation 1392693 (VCV001392693.10), dbSNP rs2136143369, ClinGen allele CA381185224.